The following is an entry in ClinVar:

NM_006206.6(PDGFRA):c.2035T>C (p.Tyr679His)

Gene: PDGFRA (platelet derived growth factor receptor alpha; plus strand). Cytogenetic location: 4q12.
Variant type: single nucleotide variant.
Coding change: c.2035T>C on transcript NM_006206.6 (MANE Select); coding-DNA position 2035, T replaced by C.
Protein change: p.Tyr679His; replaces tyrosine 679 with histidine.
Molecular consequence: missense variant.
Genome position (GRCh38, 1-based): chr4:54,278,394, T>C. VCF-style: chr4-54278394-T-C. GRCh37 (hg19) VCF-style: chr4-55144561-T-C.
Other names: c.2035T>C, p.Tyr679His (NM_001347827.2, NM_001347829.2); c.2110T>C, p.Tyr704His (NM_001347828.2); c.2074T>C, p.Tyr692His (NM_001347830.2); short protein forms Y692H, Y679H, Y704H.
Identifiers: ClinVar variation 841760 (VCV000841760.11), dbSNP rs1312160226, ClinGen allele CA356893892.

ClinVar aggregate classification (germline): Uncertain significance. Review status: criteria provided, multiple submitters, no conflicts (2 of 4 stars). 2 submissions from 2 submitters: Uncertain significance (2). Last evaluated 2025-05-21.

Conditions:
Gastrointestinal stromal tumor. Also called: Gastrointestinal stromal tumor, somatic; Gastrointestinal stroma tumor. Identifiers: Orphanet 44890, MedGen C0238198, MeSH D046152, MONDO:0011719, OMIM 606764, HP:0100723.
Hereditary cancer-predisposing syndrome. Also called: Neoplastic Syndromes, Hereditary; Tumor predisposition; Hereditary Cancer Syndrome; Hereditary neoplastic syndrome. Identifiers: Orphanet 140162, MedGen C0027672, MeSH D009386, MONDO:0015356.

Allele frequency attached by ClinVar (database versions not stated): gnomAD exomes below 0.00001; TOPMed below 0.00001; gnomAD 0.00001.
gnomAD v4.1: 2 of 1,613,816 alleles (0.00012%); highest among the groups gnomAD compares: Non-Finnish European, 0.00017%; no homozygotes.

Submissions (2):

Labcorp Genetics (formerly Invitae), Labcorp
Classification: Uncertain significance for Gastrointestinal stromal tumor. Last evaluated: 2025-05-21. Review status: criteria provided, single submitter. Criteria: Invitae Variant Classification Sherloc (09022015). Collection method: clinical testing. Allele origin: germline.
Comment: This sequence change replaces tyrosine, which is neutral and polar, with histidine, which is basic and polar, at codon 679 of the PDGFRA protein (p.Tyr679His). This variant is not present in population databases (gnomAD no frequency). This variant has not been reported in the literature in individuals affected with PDGFRA-related conditions. ClinVar contains an entry for this variant (Variation ID: 841760). Invitae Evidence Modeling of protein sequence and biophysical properties (such as structural, functional, and spatial information, amino acid conservation, physicochemical variation, residue mobility, and thermodynamic stability) indicates that this missense variant is not expected to disrupt PDGFRA protein function with a negative predictive value of 80%. In summary, the available evidence is currently insufficient to determine the role of this variant in disease. Therefore, it has been classified as a Variant of Uncertain Significance.

Ambry Genetics
Classification: Uncertain significance for Hereditary cancer-predisposing syndrome. Last evaluated: 2025-03-10. Review status: criteria provided, single submitter. Criteria: Ambry Variant Classification Scheme 2023. Collection method: clinical testing. Allele origin: germline.
Comment: The p.Y679H variant (also known as c.2035T>C), located in coding exon 14 of the PDGFRA gene, results from a T to C substitution at nucleotide position 2035. The tyrosine at codon 679 is replaced by histidine, an amino acid with similar properties. This amino acid position is conserved. In addition, the in silico prediction for this alteration is inconclusive. Since supporting evidence is limited at this time, the clinical significance of this alteration remains unclear.